The following is an entry in ClinVar:

ClinVar aggregate classification (germline): Uncertain significance (1 of 4 stars; one submission).

gnomAD v4.1: 24 of 1,614,062 alleles (0.0015%); highest among the groups gnomAD compares: Non-Finnish European, 0.0019%; no homozygotes.

Submission:

Women's Health and Genetics/Laboratory Corporation of America, LabCorp
Classification: Uncertain significance. Last evaluated: 2026-02-18. Review status: criteria provided, single submitter. Criteria: LabCorp Variant Classification Summary - May 2015. Collection method: clinical testing. Allele origin: germline.
Comment: Variant summary: LAMA1 c.5710T>C (p.Tyr1904His) results in a conservative amino acid change in the encoded protein sequence. Algorithms developed to predict the effect of missense changes on protein structure and function all suggest that this variant is likely to be tolerated. The variant allele was found at a frequency of 1.6e-05 in 251486 control chromosomes. The available data on variant occurrences in the general population are insufficient to allow any conclusion about variant significance. To our knowledge, no occurrence of c.5710T>C in individuals affected with LAMA1-related conditions and no experimental evidence demonstrating its impact on protein function have been reported. No submitters have cited clinical-significance assessments for this variant to ClinVar. Based on the evidence outlined above, the variant was classified as uncertain significance.

NM_005559.4(LAMA1):c.5710T>C (p.Tyr1904His)

Gene: LAMA1 (laminin subunit alpha 1; minus strand). Cytogenetic location: 18p11.31.
Variant type: single nucleotide variant.
Coding change: c.5710T>C on transcript NM_005559.4 (MANE Select); coding-DNA position 5710, T replaced by C.
Protein change: p.Tyr1904His; replaces tyrosine 1904 with histidine.
Molecular consequence: missense variant.
Genome position (GRCh38, 1-based): chr18:6,983,185, A>G on the plus strand (T>C on the coding strand, the complement: LAMA1 is on the minus strand). VCF-style: chr18-6983185-A-G. GRCh37 (hg19) VCF-style: chr18-6983184-A-G.
Other names: short protein forms Y1904H.
Identifiers: ClinVar variation 4848240 (VCV004848240.1).